The following is an entry in ClinVar:

ClinVar aggregate classification (germline): Uncertain significance (1 of 4 stars; one submission).

Conditions:
Cardiovascular phenotype. Identifiers: MedGen CN230736.

Allele frequency attached by ClinVar (database versions not stated): gnomAD exomes below 0.00001.
gnomAD v4.1: 3 of 1,562,012 alleles (0.00019%); no homozygotes.

Submission:

Ambry Genetics
Classification: Uncertain significance for Cardiovascular phenotype. Last evaluated: 2021-07-27. Review status: criteria provided, single submitter. Criteria: Ambry Variant Classification Scheme 2023. Collection method: clinical testing. Allele origin: germline.
Comment: The p.L2176I variant (also known as c.6526C>A), located in coding exon 48 of the ABCA1 gene, results from a C to A substitution at nucleotide position 6526. The leucine at codon 2176 is replaced by isoleucine, an amino acid with highly similar properties. This amino acid position is conserved. In addition, the in silico prediction for this alteration is inconclusive. Since supporting evidence is limited at this time, the clinical significance of this alteration remains unclear.

NM_005502.4(ABCA1):c.6526C>A (p.Leu2176Ile)

Genes: ABCA1 (ATP binding cassette subfamily A member 1; minus strand), NIPSNAP3B (nipsnap homolog 3B; plus strand). Cytogenetic location: 9q31.1.
Variant type: single nucleotide variant.
Coding change: c.6526C>A on transcript NM_005502.4 (MANE Select); coding-DNA position 6526, C replaced by A.
Protein change: p.Leu2176Ile; replaces leucine 2176 with isoleucine.
Molecular consequence: missense variant.
Genome position (GRCh38, 1-based): chr9:104,785,515, G>T on the plus strand (C>A on the coding strand, the complement: ABCA1 is on the minus strand). VCF-style: chr9-104785515-G-T. GRCh37 (hg19) VCF-style: chr9-107547796-G-T.
Other names: short protein forms L2176I.
Identifiers: ClinVar variation 1754049 (VCV001754049.2), dbSNP rs2538029137, ClinGen allele CA374311407.
Genomic context (GRCh38, chr9:104,785,515, plus strand): 5'-GGGAGAGGATGCTGAATATCCTGGCCAGAGAAGATAATGAAGATGGAAGCTGGTATTGTA[G>T]CATGTTCCGGTGTTTCTCTTTTAGAACACTTCCAGGAAATGCAAGTCCAAAGAAATCCTG-3'
Protein context (NP_005493.2, residues 2166-2186): SVLKEKHRNM[Leu2176Ile]QYQLPSSLSS